The following is an entry in ClinVar:

ClinVar aggregate classification (germline): Uncertain significance. Review status: criteria provided, multiple submitters, no conflicts (2 of 4 stars). 3 submissions from 3 submitters: Uncertain significance (3). Last evaluated 2023-10-30.

Conditions:
Neurofibromatosis, type 1 (NF1). Also called: Neurofibromatosis, type I; VON RECKLINGHAUSEN DISEASE; Peripheral type neurofibromatosis; NEUROFIBROMATOSIS, TYPE I, SOMATIC. Identifiers: Orphanet 636, MedGen C0027831, MONDO:0018975, OMIM 162200. Disease mechanism: loss of function.

Submissions (3):

Labcorp Genetics (formerly Invitae), Labcorp
Classification: Uncertain significance for Neurofibromatosis, type 1. Last evaluated: 2023-10-30. Review status: criteria provided, single submitter. Criteria: Invitae Variant Classification Sherloc (09022015). Collection method: clinical testing. Allele origin: germline.
Comment: This sequence change replaces alanine, which is neutral and non-polar, with threonine, which is neutral and polar, at codon 152 of the NF1 protein (p.Ala152Thr). This variant is not present in population databases (gnomAD no frequency). This variant has not been reported in the literature in individuals affected with NF1-related conditions. ClinVar contains an entry for this variant (Variation ID: 853732). Advanced modeling of protein sequence and biophysical properties (such as structural, functional, and spatial information, amino acid conservation, physicochemical variation, residue mobility, and thermodynamic stability) performed at Invitae indicates that this missense variant is expected to disrupt NF1 protein function with a positive predictive value of 95%. In summary, the available evidence is currently insufficient to determine the role of this variant in disease. Therefore, it has been classified as a Variant of Uncertain Significance.

Genome-Nilou Lab
Classification: Uncertain significance for Neurofibromatosis, type 1. Last evaluated: 2022-03-15. Review status: criteria provided, single submitter. Criteria: ACMG Guidelines, 2015. Collection method: clinical testing. Allele origin: germline. Affected: no.

ARUP Laboratories, Molecular Genetics and Genomics, ARUP Laboratories
Classification: Uncertain significance. Last evaluated: 2020-12-17. Review status: criteria provided, single submitter. Criteria: ARUP Molecular Germline Variant Investigation Process 2021. Collection method: clinical testing. Allele origin: germline.
Comment: The NF1 c.454G>A; p.Ala152Thr variant, to our knowledge, is not reported in the medical literature but is listed in the ClinVar database (Variation ID: 853732). This variant is absent from general population databases (Exome Variant Server, Genome Aggregation Database), indicating it is not a common polymorphism. The alanine at codon 152 is highly conserved but computational analyses are uncertain whether this variant is neutral or deleterious (REVEL: 0.579). Due to limited information, the clinical significance of the p.Ala152Thr variant is uncertain at this time.

NM_001042492.3(NF1):c.454G>A (p.Ala152Thr)

Gene: NF1 (neurofibromin 1; plus strand). Cytogenetic location: 17q11.2.
Variant type: single nucleotide variant.
Coding change: c.454G>A on transcript NM_001042492.3 (MANE Select); coding-DNA position 454, G replaced by A.
Protein change: p.Ala152Thr; replaces alanine 152 with threonine.
Molecular consequence: missense variant.
Genome position (GRCh38, 1-based): chr17:31,163,351, G>A. VCF-style: chr17-31163351-G-A. GRCh37 (hg19) VCF-style: chr17-29490369-G-A.
Other names: c.454G>A, p.Ala152Thr (NM_000267.4, NM_001128147.3); short protein forms A152T.
Identifiers: ClinVar variation 853732 (VCV000853732.15), dbSNP rs2065795636, ClinGen allele CA398982091.
Genomic context (GRCh38, chr17:31,163,351, plus strand): 5'-GCTGAACTTCGGAATTCTGCCTCTGGGGTTTTATTTTCTCTCAGCTGCAACAACTTCAAT[G>A]CAGTCTTTAGTCGCATTTCTACCAGGTTAGTGTGTAAATCCACATGGGACTACTGAAGTA-3'
Protein context (NP_001035957.1, residues 142-162): LFSLSCNNFN[Ala152Thr]VFSRISTRLQ